The following is an entry in ClinVar:

NM_173598.6(KSR2):c.981G>C (p.Thr327=)

Gene: KSR2 (kinase suppressor of ras 2; minus strand). Cytogenetic location: 12q24.23.
Variant type: single nucleotide variant.
Coding change: c.981G>C on transcript NM_173598.6 (MANE Select); coding-DNA position 981, G replaced by C.
Protein change: p.Thr327=; no amino-acid change (threonine 327 retained).
Molecular consequence: synonymous variant.
Genome position (GRCh38, 1-based): chr12:117,761,016, C>G on the plus strand (G>C on the coding strand, the complement: KSR2 is on the minus strand). VCF-style: chr12-117761016-C-G. GRCh37 (hg19) VCF-style: chr12-118198821-C-G.
Identifiers: ClinVar variation 4990630 (VCV004990630.1).
Genomic context (GRCh38, chr12:117,761,016, plus strand): 5'-AGCCCCTCGCAGGCCGGGTTTCGACCGCCCCAGGGCACCCACCGATCGCACTCACTTGGG[C>G]GTGTGGGCCTCGTCCACGCGGTGCCCCAGCTGGAACTCGTGGGATTTGCTCCGATGCAGC-3'
Protein context (NP_775869.4, residues 317-337): QLGHRVDEAH[Thr327=]PKAKKKSKPL

ClinVar aggregate classification (germline): Likely benign (1 of 4 stars; one submission).

Conditions:
KSR2-related disorder. Also called: KSR2-related condition.

gnomAD v4.1: 5 of 1,613,530 alleles (0.00031%); highest among the groups gnomAD compares: Admixed American, 0.0083%; no homozygotes.

Submission:

PreventionGenetics, part of Exact Sciences
Classification: Likely benign for KSR2-related condition. Last evaluated: 2025-02-19. Review status: criteria provided, single submitter. Criteria: ACMG Guidelines, 2015. Collection method: clinical testing. Allele origin: germline.
Comment: This variant is classified as likely benign based on ACMG/AMP sequence variant interpretation guidelines (Richards et al. 2015 PMID: 25741868, with internal and published modifications).